The following is an entry in ClinVar:

ClinVar aggregate classification (germline): Likely pathogenic (1 of 4 stars; one submission).

Allele frequency attached by ClinVar (database versions not stated): ExAC 0.00001.
gnomAD v4.1: 1 of 1,613,694 alleles (0.000062%); no homozygotes.

Submission:

Labcorp Genetics (formerly Invitae), Labcorp
Classification: Likely pathogenic. Last evaluated: 2023-06-03. Review status: criteria provided, single submitter. Criteria: Invitae Variant Classification Sherloc (09022015). Collection method: clinical testing. Allele origin: germline.
Comment: This sequence change affects a donor splice site in intron 6 of the BCS1L gene. It is expected to disrupt RNA splicing. Variants that disrupt the donor or acceptor splice site typically lead to a loss of protein function (PMID: 16199547), and loss-of-function variants in BCS1L are known to be pathogenic (PMID: 12215968, 17314340, 19162478, 19508421, 22277166, 25895478). In summary, the currently available evidence indicates that the variant is pathogenic, but additional data are needed to prove that conclusively. Therefore, this variant has been classified as Likely Pathogenic. Algorithms developed to predict the effect of sequence changes on RNA splicing suggest that this variant may disrupt the consensus splice site. This variant has not been reported in the literature in individuals affected with BCS1L-related conditions. This variant is present in population databases (rs778285598, gnomAD 0.0009%).

Literature cited by the submitters: PubMed 16199547; PubMed 12215968; PubMed 17314340; PubMed 19162478; PubMed 19508421; PubMed 22277166; PubMed 25895478.

NM_001079866.2(BCS1L):c.719+1G>T

Gene: BCS1L (BCS1 ubiquinol-cytochrome c reductase complex chaperone; plus strand). Cytogenetic location: 2q35.
Variant type: single nucleotide variant.
Coding change: c.719+1G>T on transcript NM_001079866.2 (MANE Select); the canonical splice donor site of the intron after coding-DNA position 719, G replaced by T.
Molecular consequence: splice donor variant.
Genome position (GRCh38, 1-based): chr2:218,662,261, G>T. VCF-style: chr2-218662261-G-T. GRCh37 (hg19) VCF-style: chr2-219526984-G-T.
Other names: c.719+1G>T (NM_001374085.1, NM_001371446.1, NM_001371450.1 and 10 more transcripts); c.218+1G>T (NM_001374086.1, NM_001371454.1, NM_001371453.1 and 3 more transcripts); c.359+1G>T (NM_001371451.1, NM_001318836.2).
Identifiers: ClinVar variation 2761088 (VCV002761088.3), dbSNP rs778285598, ClinGen allele CA2109733.